The following is an entry in ClinVar:

NM_012188.5(FOXI1):c.576C>T (p.Gly192=)

Gene: FOXI1 (forkhead box I1; plus strand). Cytogenetic location: 5q35.1.
Variant type: single nucleotide variant.
Coding change: c.576C>T on transcript NM_012188.5 (MANE Select); coding-DNA position 576, C replaced by T.
Protein change: p.Gly192=; no amino-acid change (glycine 192 retained).
Molecular consequence: synonymous variant. On other transcripts: intron variant (1).
Genome position (GRCh38, 1-based): chr5:170,108,050, C>T. VCF-style: chr5-170108050-C-T. GRCh37 (hg19) VCF-style: chr5-169535054-C-T.
Other names: c.575-284C>T (NM_144769.4).
Identifiers: ClinVar variation 4984742 (VCV004984742.1).

ClinVar aggregate classification (germline): Likely benign (1 of 4 stars; one submission).

Conditions:
FOXI1-related disorder. Also called: FOXI1-related condition.

gnomAD v4.1: 3 of 1,611,834 alleles (0.00019%); highest among the groups gnomAD compares: Admixed American, 0.0033%; no homozygotes.

Submission:

PreventionGenetics, part of Exact Sciences
Classification: Likely benign for FOXI1-related condition. Last evaluated: 2026-08-05. Review status: criteria provided, single submitter. Criteria: ACMG Guidelines, 2015. Collection method: clinical testing. Allele origin: germline.
Comment: This variant is classified as likely benign based on ACMG/AMP sequence variant interpretation guidelines (Richards et al. 2015 PMID: 25741868, with internal and published modifications).